The following is an entry in ClinVar:

ClinVar aggregate classification (germline): Uncertain significance (1 of 4 stars; one submission).

Conditions:
Cardiomyopathy (CMYO). Also called: Cardiomyopathies. Identifiers: Orphanet 167848, MedGen C0878544, MONDO:0004994, HP:0001638. Inheritance: Various modes of inheritance.

Submission:

Color Diagnostics, LLC DBA Color Health
Classification: Uncertain significance for Cardiomyopathy. Last evaluated: 2025-06-23. Review status: criteria provided, single submitter. Criteria: ACMG Guidelines, 2015. Collection method: clinical testing. Allele origin: germline.
Comment: This missense variant replaces aspartic acid with tyrosine at codon 1089 of the DSP protein. Computational prediction suggests that this variant may not impact protein structure and function. To our knowledge, functional studies have not been reported for this variant. This variant has not been reported in individuals affected with DSP-related disorders in the literature. This variant has not been identified in the general population by the Genome Aggregation Database (gnomAD). The available evidence is insufficient to determine the role of this variant in disease conclusively. Therefore, this variant is classified as a Variant of Uncertain Significance.

NM_004415.4(DSP):c.3265G>T (p.Asp1089Tyr)

Gene: DSP (desmoplakin; plus strand). Cytogenetic location: 6p24.3.
Variant type: single nucleotide variant.
Coding change: c.3265G>T on transcript NM_004415.4 (MANE Select); coding-DNA position 3265, G replaced by T.
Protein change: p.Asp1089Tyr; replaces aspartic acid 1089 with tyrosine.
Molecular consequence: missense variant.
Genome position (GRCh38, 1-based): chr6:7,579,455, G>T. VCF-style: chr6-7579455-G-T. GRCh37 (hg19) VCF-style: chr6-7579688-G-T.
Other names: c.3265G>T, p.Asp1089Tyr (NM_001008844.3, NM_001319034.2); short protein forms D1089Y.
Identifiers: ClinVar variation 4756901 (VCV004756901.1).